The following is an entry in ClinVar:

ClinVar aggregate classification (germline): Conflicting classifications of pathogenicity. Review status: criteria provided, conflicting classifications (1 of 4 stars). 2 submissions from 2 submitters: Likely pathogenic (1); Uncertain significance (1). Last evaluated 2025-12-28.

Conditions:
Hereditary cancer-predisposing syndrome. Also called: Neoplastic Syndromes, Hereditary; Hereditary neoplastic syndrome; Hereditary Cancer Syndrome; Tumor predisposition. Identifiers: Orphanet 140162, MedGen C0027672, MeSH D009386, MONDO:0015356.
Tuberous sclerosis 2 (TSC2). Identifiers: Orphanet 805, MedGen C1860707, MONDO:0013199, OMIM 613254.

Submissions (2):

Labcorp Genetics (formerly Invitae), Labcorp
Classification: Uncertain significance for Tuberous sclerosis 2. Last evaluated: 2025-12-28. Review status: criteria provided, single submitter. Criteria: Invitae Variant Classification Sherloc (09022015). Collection method: clinical testing. Allele origin: germline.
Comment: This sequence change replaces lysine, which is basic and polar, with glutamic acid, which is acidic and polar, at codon 1637 of the TSC2 protein (p.Lys1637Glu). This variant is not present in population databases (gnomAD no frequency). This missense change has been observed in individual(s) with clinical features of TSC2-related condition (PMID: 38806662). ClinVar contains an entry for this variant (Variation ID: 656150). Invitae Evidence Modeling of protein sequence and biophysical properties (such as structural, functional, and spatial information, amino acid conservation, physicochemical variation, residue mobility, and thermodynamic stability) has been performed for this missense variant. However, the output from this modeling did not meet the statistical confidence thresholds required to predict the impact of this variant on TSC2 protein function. In summary, the available evidence is currently insufficient to determine the role of this variant in disease. Therefore, it has been classified as a Variant of Uncertain Significance.

Ambry Genetics
Classification: Likely pathogenic for Hereditary cancer-predisposing syndrome. Last evaluated: 2025-09-16. Review status: criteria provided, single submitter. Criteria: Ambry Variant Classification Scheme 2023. Collection method: clinical testing. Allele origin: germline.
Comment: The p.K1637E variant (also known as c.4909A>G), located in coding exon 37 of the TSC2 gene, results from an A to G substitution at nucleotide position 4909. The lysine at codon 1637 is replaced by glutamic acid, an amino acid with similar properties. This variant was reported in individual(s) with features consistent with tuberous sclerosis complex (Milon V et al. Eur J Hum Genet, 2024 Dec;32:1590-1598). Based on internal structural analysis, this variant is more disruptive than known pathogenic variants (Ambry internal data) and is anticipated to disrupt a region of known function (Bayly-Jones C et al. Sci Adv. 2024 Nov;10(47):eadr5807). This amino acid position is highly conserved in available vertebrate species. In addition, this alteration is predicted to be deleterious by in silico analysis. This variant is considered to be rare based on population cohorts in the Genome Aggregation Database (gnomAD). Based on the majority of available evidence to date, this variant is likely to be pathogenic.

Literature cited by the submitters: PubMed 38806662 (cited by Labcorp Genetics (formerly Invitae), Labcorp and Ambry Genetics); PubMed 39565846 (cited by Ambry Genetics).

NM_000548.5(TSC2):c.4909A>G (p.Lys1637Glu)

Gene: TSC2 (TSC complex subunit 2; plus strand). Cytogenetic location: 16p13.3.
Variant type: single nucleotide variant.
Coding change: c.4909A>G on transcript NM_000548.5 (MANE Select); coding-DNA position 4909, A replaced by G.
Protein change: p.Lys1637Glu; replaces lysine 1637 with glutamic acid.
Molecular consequence: missense variant.
Genome position (GRCh38, 1-based): chr16:2,086,791, A>G. VCF-style: chr16-2086791-A-G. GRCh37 (hg19) VCF-style: chr16-2136792-A-G.
Other names: c.4780A>G, p.Lys1594Glu (NM_001370405.1, NM_021055.3); c.4708A>G, p.Lys1570Glu (NM_001077183.3); c.4840A>G, p.Lys1614Glu (NM_001114382.3); c.4600A>G, p.Lys1534Glu (NM_001318827.2); c.4564A>G, p.Lys1522Glu (NM_001318829.2); c.4177A>G, p.Lys1393Glu (NM_001318831.2); c.4741A>G, p.Lys1581Glu (NM_001318832.2); c.4711A>G, p.Lys1571Glu (NM_001363528.2); and 1 more; short protein forms K1581E, K1571E, K1593E, K1637E, K1393E, K1534E, K1570E, K1522E.
Identifiers: ClinVar variation 656150 (VCV000656150.9), dbSNP rs1596443444, ClinGen allele CA394308497.